The following is an entry in ClinVar:

NM_001844.5(COL2A1):c.1824_1832del (p.Lys608_Ala610del)

Gene: COL2A1 (collagen type II alpha 1 chain; minus strand). Cytogenetic location: 12q13.11.
Variant type: Deletion.
Coding change: c.1824_1832del on transcript NM_001844.5 (MANE Select); coding-DNA positions 1824 to 1832, 9 bases deleted (AGGTGCCAA; older notation c.1824_1832delAGGTGCCAA).
Protein change: p.Lys608_Ala610del.
Molecular consequence: inframe deletion.
Genome position (GRCh38, 1-based): chr12:47,984,996-47,985,004, TTGGCACCT deleted on the plus strand (AGGTGCCAA on the coding strand, the reverse complement: COL2A1 is on the minus strand); deleting any 9 consecutive bases within chr12:47,984,996-47,985,008 gives the same sequence; the c. name uses the placement nearest the transcript's 3' end. VCF-style (leftmost placement, unchanged base first): chr12-47984995-GTTGGCACCT-G. GRCh37 (hg19) VCF-style: chr12-48378778-GTTGGCACCT-G.
Other names: c.1617_1625del, p.Lys539_Ala541del (NM_033150.3).
Identifiers: ClinVar variation 1345336 (VCV001345336.6), dbSNP rs2136563934, ClinGen allele CA2573148611.

ClinVar aggregate classification (germline): Likely pathogenic (1 of 4 stars; one submission).

Submission:

Labcorp Genetics (formerly Invitae), Labcorp
Classification: Likely pathogenic. Last evaluated: 2021-10-08. Review status: criteria provided, single submitter. Criteria: Invitae Variant Classification Sherloc (09022015). Collection method: clinical testing. Allele origin: germline.
Comment: In summary, the currently available evidence indicates that the variant is pathogenic, but additional data are needed to prove that conclusively. Therefore, this variant has been classified as Likely Pathogenic. This variant, c.1824_1832del, results in the deletion of 3 amino acid(s) of the COL2A1 protein (p.Lys608_Ala610del), but otherwise preserves the integrity of the reading frame. This variant disrupts the triple helix domain of COL2A1. Glycine residues within the Gly-Xaa-Yaa repeats of the triple helix domain are required for the structure and stability of fibrillar collagens (PMID: 7695699, 8218237, 19344236). In COL2A1, variants affecting these glycine residues are significantly enriched in individuals with disease (PMID: 9016532, 17078022) compared to the general population (ExAC). This variant has not been reported in the literature in individuals affected with COL2A1-related conditions. This variant is not present in population databases (ExAC no frequency).

Literature cited by the submitters: PubMed 7695699; PubMed 8218237; PubMed 19344236; PubMed 9016532; PubMed 17078022.